The following is an entry in ClinVar:

ClinVar aggregate classification (germline): Likely benign. Review status: criteria provided, multiple submitters, no conflicts (2 of 4 stars). 2 submissions from 2 submitters: Likely benign (2). Last evaluated 2025-10-08.

Conditions:
CENPF-related disorder. Also called: CENPF-related condition.

gnomAD v4.1: 43 of 1,613,684 alleles (0.0027%); highest among the groups gnomAD compares: South Asian, 0.0099%; no homozygotes.

Submissions (2):

PreventionGenetics, part of Exact Sciences
Classification: Likely benign for CENPF-related condition. Last evaluated: 2025-10-08. Review status: criteria provided, single submitter. Criteria: ACMG Guidelines, 2015. Collection method: clinical testing. Allele origin: germline.
Comment: This variant is classified as likely benign based on ACMG/AMP sequence variant interpretation guidelines (Richards et al. 2015 PMID: 25741868, with internal and published modifications).

Blueprint Genetics
Classification: Likely benign. Last evaluated: 2024-11-23. Review status: criteria provided, single submitter. Criteria: ACMG Guidelines, 2015. Collection method: clinical testing. Allele origin: germline.

NM_016343.4(CENPF):c.6531C>T (p.Ala2177=)

Gene: CENPF (centromere protein F; plus strand). Cytogenetic location: 1q41.
Variant type: single nucleotide variant.
Coding change: c.6531C>T on transcript NM_016343.4 (MANE Select); coding-DNA position 6531, C replaced by T.
Protein change: p.Ala2177=; no amino-acid change (alanine 2177 retained).
Molecular consequence: synonymous variant.
Genome position (GRCh38, 1-based): chr1:214,646,101, C>T. VCF-style: chr1-214646101-C-T. GRCh37 (hg19) VCF-style: chr1-214819444-C-T.
Other names: c.6531C>T (NM_016343.3).
Identifiers: ClinVar variation 4932769 (VCV004932769.2).